The following is an entry in ClinVar:

NM_006031.6(PCNT):c.2099G>C (p.Arg700Thr)

Gene: PCNT (pericentrin; plus strand). Cytogenetic location: 21q22.3.
Variant type: single nucleotide variant.
Coding change: c.2099G>C on transcript NM_006031.6 (MANE Select); coding-DNA position 2099, G replaced by C.
Protein change: p.Arg700Thr; replaces arginine 700 with threonine.
Molecular consequence: missense variant.
Genome position (GRCh38, 1-based): chr21:46,357,136, G>C. VCF-style: chr21-46357136-G-C. GRCh37 (hg19) VCF-style: chr21-47777051-G-C.
Other names: c.1745G>C, p.Arg582Thr (NM_001315529.2); short protein forms R582T, R700T.
Identifiers: ClinVar variation 3346478 (VCV003346478.1).

ClinVar aggregate classification (germline): Uncertain significance (0 of 4 stars; one submission).

Conditions:
PCNT-related disorder. Also called: PCNT-related condition.

gnomAD v4.1: 1 of 1,614,138 alleles (0.000062%); highest among the groups gnomAD compares: African/African-American, 0.0013%; no homozygotes.

Submission:

PreventionGenetics, part of Exact Sciences
Classification: Uncertain significance for PCNT-related condition. Last evaluated: 2024-04-06. Review status: no assertion criteria provided. Collection method: clinical testing. Allele origin: germline.
Comment: The PCNT c.2099G>C variant is predicted to result in the amino acid substitution p.Arg700Thr. To our knowledge, this variant has not been reported in the literature. This variant is reported in 0.0062% of alleles in individuals of African descent in gnomAD. At this time, the clinical significance of this variant is uncertain due to the absence of conclusive functional and genetic evidence.